The following is an entry in ClinVar:

NM_001267550.2(TTN):c.41756_41759dup (p.Lys13920_Thr13921insTer)

Gene: TTN (titin; minus strand). Cytogenetic location: 2q31.2.
Variant type: Duplication.
Coding change: c.41756_41759dup on transcript NM_001267550.2 (MANE Select); coding-DNA positions 41756 to 41759, 4 bases duplicated (ATAA; older notation c.41756_41759dupATAA).
Protein change: p.Lys13920_Thr13921insTer.
Molecular consequence: nonsense, inframe insertion.
Genome position (GRCh38, 1-based): chr2:178,635,565-178,635,568, TTAT duplicated on the plus strand (ATAA on the coding strand, the reverse complement: TTN is on the minus strand). VCF-style (leftmost placement, unchanged base first): chr2-178635564-C-CTTAT. GRCh37 (hg19) VCF-style: chr2-179500291-C-CTTAT.
Other names: c.36833_36836dup, p.Lys12279_Thr12280insTer (NM_001256850.1); c.14561_14564dup, p.Lys4855_Thr4856insTer (NM_003319.4); c.34052_34055dup, p.Lys11352_Thr11353insTer (NM_133378.4); c.14936_14939dup, p.Lys4980_Thr4981insTer (NM_133432.3); c.15137_15140dup, p.Lys5047_Thr5048insTer (NM_133437.4).
Identifiers: ClinVar variation 3760274 (VCV003760274.2).

ClinVar aggregate classification (germline): Likely pathogenic (1 of 4 stars; one submission).

Conditions:
Dilated cardiomyopathy 1G (CMD1G). Identifiers: Orphanet 154, MedGen C1858763, MONDO:0011400, OMIM 604145.
Autosomal recessive limb-girdle muscular dystrophy type 2J (LGMDR10). Also called: Limb-girdle muscular dystrophy, type 2J; MUSCULAR DYSTROPHY, LIMB-GIRDLE, AUTOSOMAL RECESSIVE 10. Identifiers: Orphanet 140922, MedGen C1837342, MONDO:0012127, OMIM 608807.

Submission:

Labcorp Genetics (formerly Invitae), Labcorp
Classification: Likely pathogenic for Dilated cardiomyopathy 1G; Autosomal recessive limb-girdle muscular dystrophy type 2J. Last evaluated: 2025-01-08. Review status: criteria provided, single submitter. Criteria: Invitae Variant Classification Sherloc (09022015). Collection method: clinical testing. Allele origin: germline.
Comment: This sequence change creates a premature translational stop signal (p.Thr13921*) in the TTN gene. While this is not anticipated to result in nonsense mediated decay, it is expected to create a truncated TTN protein. This variant is not present in population databases (gnomAD no frequency). This variant has not been reported in the literature in individuals affected with TTN-related conditions. This variant is located in the I band of TTN (PMID: 25589632). Truncating variants in this region have been reported in individuals affected with autosomal recessive centronuclear myopathy (PMID: 23975875, internal data). Truncating variants in this region have also been identified in individuals affected with autosomal dominant dilated cardiomyopathy and/or cardio-related conditions (PMID: 27869827, 32964742, internal data). In summary, the currently available evidence indicates that the variant is pathogenic, but additional data are needed to prove that conclusively. Therefore, this variant has been classified as Likely Pathogenic.

Literature cited by the submitters: PubMed 25589632; PubMed 23975875; PubMed 27869827; PubMed 32964742.